The following is an entry in ClinVar:

NM_016222.4(DDX41):c.157C>G (p.Arg53Gly)

Gene: DDX41 (DEAD-box helicase 41; minus strand). Cytogenetic location: 5q35.3.
Variant type: single nucleotide variant.
Coding change: c.157C>G on transcript NM_016222.4 (MANE Select); coding-DNA position 157, C replaced by G.
Protein change: p.Arg53Gly; replaces arginine 53 with glycine.
Molecular consequence: missense variant. On other transcripts: 5 prime UTR variant (2).
Genome position (GRCh38, 1-based): chr5:177,516,429, G>C on the plus strand (C>G on the coding strand, the complement: DDX41 is on the minus strand). VCF-style: chr5-177516429-G-C. GRCh37 (hg19) VCF-style: chr5-176943430-G-C.
Other names: c.-222C>G (NM_001321732.2, NM_001321830.2); short protein forms R53G.
Identifiers: ClinVar variation 1337510 (VCV001337510.4), dbSNP rs745421135, ClinGen allele CA3585313.
Genomic context (GRCh38, chr5:177,516,429, plus strand): 5'-CTCCCCGGGGTTCACTACCGCTGTCCTGCTGCTCTTCCTCCGCAGCTCCCTTGCGTCTTC[G>C]CTGCAGCAGCTTCTGGAGCTGAGGTTCCACCCGGGATCCACAGATAGGATGGGCATGGAG-3'
Protein context (NP_057306.2, residues 43-63): RQLLLQKLLQ[Arg53Gly]RRKGAAEEEQ

ClinVar aggregate classification (germline): Uncertain significance (1 of 4 stars; one submission).

Allele frequency attached by ClinVar (database versions not stated): gnomAD exomes below 0.00001; ExAC 0.00001.
gnomAD v4.1: 1 of 1,613,676 alleles (0.000062%); highest among the groups gnomAD compares: South Asian, 0.0011%; no homozygotes.

Submission:

Genetic Services Laboratory, University of Chicago
Classification: Uncertain significance. Last evaluated: 2019-12-26. Review status: criteria provided, single submitter. Criteria: ACMG Guidelines, 2015. Collection method: clinical testing. Allele origin: germline. Affected: no.
Comment: DNA sequence analysis of the DDX41 gene demonstrated a sequence change, c.157C>G, in exon 3 that results in an amino acid change, p.Arg53Gly. This sequence change does not appear to have been previously described in patients with DDX41-related disorders and has been described in the gnomAD database in 1 individual (dbSNP rs745421135). The p.Arg53Gly change affects a poorly conserved amino acid residue located in a domain of the DDX41 protein that is not known to be functional. In-silico pathogenicity prediction tools (SIFT, PolyPhen2, Align GVGD, REVEL) provide contradictory results for the p.Arg53Gly substitution. Due to these contrasting evidences and the lack of functional studies, the clinical significance of the p.Arg53Gly change remains unknown at this time.